The following is an entry in ClinVar:

ClinVar aggregate classification (germline): conflicting data from submitters (0 of 4 stars; one submission).

Submission:

ISCA site 1
Classification: conflicting data from submitters. Last evaluated: 2012-10-09. Review status: no assertion criteria provided. Collection method: clinical testing. Allele origin: paternal. Affected: yes. Observed: 2 variant alleles.
Comment: Uncertain significance(1), Likely benign (1)

Copy number variation identified through the course of routine clinical cytogenomic testing in postnatal populations, with clinical assertions as classified by the original submitter. For data from the original published study, Kaminsky, et al. 2011 (PubMed 21844811), please see nstd101.

GRCh38/hg38 16q23.1(chr16:76033170-76548202)x3

Genes: CNTNAP4 (contactin associated protein family member 4; plus strand), LOC130059454 (ATAC-STARR-seq lymphoblastoid silent region 7729; plus strand). Cytogenetic location: 16q23.1.
Variant type: copy number gain.
Change: copy number 3 (three copies instead of two) of chr16:76,033,170-76,548,202 (515.0 kb, GRCh38 coordinates, 1-based), cytogenetic band 16q23.1.
Identifiers: ClinVar variation 148532 (VCV000148532.3).